The following is an entry in ClinVar:

ClinVar aggregate classification (germline): Uncertain significance (1 of 4 stars; one submission).

Submission:

GeneDx
Classification: Uncertain significance. Last evaluated: 2020-01-28. Review status: criteria provided, single submitter. Criteria: GeneDx Variant Classification Process June 2021. Collection method: clinical testing. Allele origin: germline. Affected: yes.
Comment: Not observed in large population cohorts (Lek et al., 2016); In silico analysis, which includes protein predictors and evolutionary conservation, supports a deleterious effect; Has not been previously published as pathogenic or benign to our knowledge

NM_006593.4(TBR1):c.1073C>G (p.Thr358Arg)

Gene: TBR1 (T-box brain transcription factor 1; plus strand). Cytogenetic location: 2q24.2.
Variant type: single nucleotide variant.
Coding change: c.1073C>G on transcript NM_006593.4 (MANE Select); coding-DNA position 1073, C replaced by G.
Protein change: p.Thr358Arg; replaces threonine 358 with arginine.
Molecular consequence: missense variant.
Genome position (GRCh38, 1-based): chr2:161,418,995, C>G. VCF-style: chr2-161418995-C-G. GRCh37 (hg19) VCF-style: chr2-162275506-C-G.
Other names: short protein forms T358R.
Identifiers: ClinVar variation 1314838 (VCV001314838.2), dbSNP rs1367247958, ClinGen allele CA349212890.